The following is an entry in ClinVar:

NM_000218.3(KCNQ1):c.1394-30041C>T

Genes: KCNQ1 (potassium voltage-gated channel subfamily Q member 1; plus strand), KCNQ1OT1 (KCNQ1 opposite strand/antisense transcript 1; minus strand). Cytogenetic location: 11p15.5.
Variant type: single nucleotide variant.
Coding change: c.1394-30041C>T on transcript NM_000218.3 (MANE Select); 30041 bases into the intron before coding-DNA position 1394, C replaced by T.
Molecular consequence: intron variant. On other transcripts: non-coding transcript variant (1).
Genome position (GRCh38, 1-based): chr11:2,631,920, C>T. VCF-style: chr11-2631920-C-T. GRCh37 (hg19) VCF-style: chr11-2653150-C-T.
Other names: c.1124-30041C>T (NM_001406837.1); c.1298-30041C>T (NM_001406836.1); c.854-30041C>T (NM_001406838.1); c.1013-30041C>T (NM_181798.2).
Identifiers: ClinVar variation 2641403 (VCV002641403.24), dbSNP rs536820683, ClinGen allele CA216145981.

ClinVar aggregate classification (germline): Benign (1 of 4 stars; one submission).

Allele frequency attached by ClinVar (database versions not stated): TOPMed 0.00021; gnomAD 0.00029; 1000 Genomes Project 0.00100; gnomAD exomes 0.00035; 1000 Genomes Project 30x 0.00062.
gnomAD v4.1: 134 of 397,428 alleles (0.034%); highest among the groups gnomAD compares: Middle Eastern, 0.19%; 1 homozygote.

Submission:

CeGaT Center for Human Genetics Tuebingen
Classification: Benign. Last evaluated: 2023-10-01. Review status: criteria provided, single submitter. Criteria: CeGaT Center For Human Genetics Tuebingen Variant Classification Criteria Version 2. Collection method: clinical testing. Allele origin: germline. Affected: yes. Observed: 2 variant alleles.
Comment: KCNQ1OT1: BS1, BS2